The following is an entry in ClinVar:

ClinVar aggregate classification (germline): Benign (1 of 4 stars; one submission).

Allele frequency attached by ClinVar (database versions not stated): 1000 Genomes Project 0.60383; 1000 Genomes Project 30x 0.61399; gnomAD 0.70380 and 0.71587; TOPMed 0.70719.
gnomAD v4.1: 107,168 of 151,966 alleles (71%); highest among the groups gnomAD compares: Middle Eastern, 81%; 38,551 homozygotes.

Submission:

GeneDx
Classification: Benign. Last evaluated: 2018-06-14. Review status: criteria provided, single submitter. Criteria: GeneDx Variant Classification (06012015). Collection method: clinical testing. Allele origin: germline. Affected: yes.
Comment: This variant is considered likely benign or benign based on one or more of the following criteria: it is a conservative change, it occurs at a poorly conserved position in the protein, it is predicted to be benign by multiple in silico algorithms, and/or has population frequency not consistent with disease.

NM_001384140.1(PCDH15):c.876+271A>G

Gene: PCDH15 (protocadherin related 15; minus strand). Cytogenetic location: 10q21.1.
Variant type: single nucleotide variant.
Coding change: c.876+271A>G on transcript NM_001384140.1 (MANE Select); 271 bases into the intron after coding-DNA position 876, A replaced by G.
Molecular consequence: intron variant.
Genome position (GRCh38, 1-based): chr10:54,317,000, T>C on the plus strand (A>G on the coding strand, the complement: PCDH15 is on the minus strand). VCF-style: chr10-54317000-T-C. GRCh37 (hg19) VCF-style: chr10-56076760-T-C.
Other names: c.876+271A>G (NM_001354420.2, NM_001354429.2, NM_001142772.2 and 7 more transcripts); c.891+271A>G (NM_001142771.2, NM_001142769.3, NM_001142763.2); c.810+271A>G (NM_001354404.2, NM_001142773.2, NM_001142768.2); c.765+271A>G (NM_001142767.2).
Identifiers: ClinVar variation 673903 (VCV000673903.1), dbSNP rs1342281, ClinGen allele CA13266608.
Genomic context (GRCh38, chr10:54,317,000, plus strand): 5'-AATATGAATTTAAGAAAATGCTGCACTGATTATTTGGAGTTTTTCAGAATGGCTAGTGAA[T>C]TCCTTGGTGATTTATTGGTAAAAAAATAAAATAAAATAACCATGTTGGACTGTTGTTTCA-3'